The following is an entry in ClinVar:

ClinVar aggregate classification (germline): Benign. Review status: criteria provided, single submitter (1 of 4 stars). 2 submissions from 2 submitters: Benign (1). 1 of the submissions does not count toward it. Last evaluated 2022-08-05.

Conditions:
MESP1-related disorder. Also called: MESP1-related condition.

Allele frequency attached by ClinVar (database versions not stated): TOPMed 0.00011; 1000 Genomes Project 30x 0.00031; ExAC 0.00026; 1000 Genomes Project 0.00040; gnomAD 0.00009.
gnomAD v4.1: 123 of 1,614,096 alleles (0.0076%); highest among the groups gnomAD compares: East Asian, 0.15%; 1 homozygote.

Submissions (2):

Labcorp Genetics (formerly Invitae), Labcorp
Classification: Benign. Last evaluated: 2022-08-05. Review status: criteria provided, single submitter. Criteria: Invitae Variant Classification Sherloc (09022015). Collection method: clinical testing. Allele origin: germline.

PreventionGenetics, part of Exact Sciences
Classification: Likely benign for MESP1-related condition. Last evaluated: 2019-08-20. Review status: no assertion criteria provided. Collection method: clinical testing. Allele origin: germline. Not counted in ClinVar's aggregate classification.
Comment: This variant is classified as likely benign based on ACMG/AMP sequence variant interpretation guidelines (Richards et al. 2015 PMID: 25741868, with internal and published modifications).

NM_018670.4(MESP1):c.759C>G (p.Thr253=)

Gene: MESP1 (mesoderm posterior bHLH transcription factor 1; minus strand). Cytogenetic location: 15q26.1.
Variant type: single nucleotide variant.
Coding change: c.759C>G on transcript NM_018670.4 (MANE Select); coding-DNA position 759, C replaced by G.
Protein change: p.Thr253=; no amino-acid change (threonine 253 retained).
Molecular consequence: synonymous variant.
Genome position (GRCh38, 1-based): chr15:89,750,192, G>C on the plus strand (C>G on the coding strand, the complement: MESP1 is on the minus strand). VCF-style: chr15-89750192-G-C. GRCh37 (hg19) VCF-style: chr15-90293423-G-C.
Other names: c.759C>G (NM_018670.3).
Identifiers: ClinVar variation 2049052 (VCV002049052.6), dbSNP rs200987000, ClinGen allele CA7730116.